The following is an entry in ClinVar:

ClinVar aggregate classification (germline): Uncertain significance. Review status: criteria provided, multiple submitters, no conflicts (2 of 4 stars). 2 submissions from 2 submitters: Uncertain significance (2). Last evaluated 2025-03-08.

Conditions:
Mosaic variegated aneuploidy syndrome 2 (MVA2). Identifiers: Orphanet 1052, MedGen C3279843, MONDO:0013582, OMIM 614114.
Inborn genetic diseases. Identifiers: MedGen C0950123, MeSH D030342.

Allele frequency attached by ClinVar (database versions not stated): gnomAD 0.00001; gnomAD exomes 0.00001 and 0.00002.
gnomAD v4.1: 21 of 1,613,464 alleles (0.0013%); highest among the groups gnomAD compares: South Asian, 0.019%; no homozygotes.

Submissions (2):

Ambry Genetics
Classification: Uncertain significance for Inborn genetic diseases. Last evaluated: 2025-03-08. Review status: criteria provided, single submitter. Criteria: Ambry Variant Classification Scheme 2023. Collection method: clinical testing. Allele origin: germline.
Comment: The p.S452R variant (also known as c.1354A>C), located in coding exon 11 of the CEP57 gene, results from an A to C substitution at nucleotide position 1354. The serine at codon 452 is replaced by arginine, an amino acid with dissimilar properties. This amino acid position is conserved. In addition, this alteration is predicted to be tolerated by in silico analysis. Based on the available evidence, the clinical significance of this variant remains unclear.

Labcorp Genetics (formerly Invitae), Labcorp
Classification: Uncertain significance for Mosaic variegated aneuploidy syndrome 2. Last evaluated: 2021-11-02. Review status: criteria provided, single submitter. Criteria: Invitae Variant Classification Sherloc (09022015). Collection method: clinical testing. Allele origin: germline.
Comment: This variant has not been reported in the literature in individuals affected with CEP57-related conditions. In summary, the available evidence is currently insufficient to determine the role of this variant in disease. Therefore, it has been classified as a Variant of Uncertain Significance. Algorithms developed to predict the effect of missense changes on protein structure and function output the following: SIFT: "Tolerated"; PolyPhen-2: "Benign"; Align-GVGD: "Class C0". The arginine amino acid residue is found in multiple mammalian species, which suggests that this missense change does not adversely affect protein function. This variant is present in population databases (no rsID available, gnomAD 0.02%). This sequence change replaces serine, which is neutral and polar, with arginine, which is basic and polar, at codon 452 of the CEP57 protein (p.Ser452Arg).

NM_014679.5(CEP57):c.1354A>C (p.Ser452Arg)

Gene: CEP57 (centrosomal protein 57; plus strand). Cytogenetic location: 11q21.
Variant type: single nucleotide variant.
Coding change: c.1354A>C on transcript NM_014679.5 (MANE Select); coding-DNA position 1354, A replaced by C.
Protein change: p.Ser452Arg; replaces serine 452 with arginine.
Molecular consequence: missense variant.
Genome position (GRCh38, 1-based): chr11:95,831,107, A>C. VCF-style: chr11-95831107-A-C. GRCh37 (hg19) VCF-style: chr11-95564271-A-C.
Other names: c.1354A>C (NM_014679.4); c.1327A>C, p.Ser443Arg (NM_001243776.2); c.1276A>C, p.Ser426Arg (NM_001243777.2); c.1273A>C, p.Ser425Arg (NM_001363604.2); short protein forms S426R, S452R, S425R, S443R.
Identifiers: ClinVar variation 1391875 (VCV001391875.7), dbSNP rs1328502690, ClinGen allele CA382409644.